The following is an entry in ClinVar:

NM_003242.6(TGFBR2):c.452A>T (p.Glu151Val)

Gene: TGFBR2 (transforming growth factor beta receptor 2; plus strand). Cytogenetic location: 3p24.1.
Variant type: single nucleotide variant.
Coding change: c.452A>T on transcript NM_003242.6 (MANE Select); coding-DNA position 452, A replaced by T.
Protein change: p.Glu151Val; replaces glutamic acid 151 with valine.
Molecular consequence: missense variant.
Genome position (GRCh38, 1-based): chr3:30,650,458, A>T. VCF-style: chr3-30650458-A-T. GRCh37 (hg19) VCF-style: chr3-30691950-A-T.
Other names: c.527A>T, p.Glu176Val (NM_001024847.3, NM_001407126.1, NM_001407139.1); c.452A>T, p.Glu151Val (NM_001407127.1, NM_001407130.1); c.479A>T, p.Glu160Val (NM_001407128.1); c.347A>T, p.Glu116Val (NM_001407129.1, NM_001407132.1, NM_001407133.1 and 3 more transcripts); short protein forms E151V, E176V, E160V, E116V.
Identifiers: ClinVar variation 811924 (VCV000811924.27), dbSNP rs757051948, ClinGen allele CA048331.

ClinVar aggregate classification (germline): Uncertain significance. Review status: criteria provided, multiple submitters, no conflicts (2 of 4 stars). 7 submissions from 7 submitters: Uncertain significance (7). Last evaluated 2026-01-16.

Conditions:
Familial thoracic aortic aneurysm and aortic dissection (TAAD). Also called: Thoracic aortic aneurysms and dissections. Identifiers: Orphanet 91387, MedGen C4707243, MONDO:0019625.
Loeys-Dietz syndrome 2 (LDS2). Also called: Marfan syndrome, type 2 (formerly); AORTIC ANEURYSM, FAMILIAL THORACIC 3; MARFAN SYNDROME, TYPE II; Marfan Syndrome type 2; Marfan like connective tissue disorder; MFS 2. Identifiers: Orphanet 284973, Orphanet 558, MedGen C2674574, MONDO:0012427, OMIM 610168.
Ehlers-Danlos syndrome (EDS). Identifiers: Orphanet 98249, MedGen C0013720, MONDO:0020066.

Allele frequency attached by ClinVar (database versions not stated): ExAC 0.00002; gnomAD exomes 0.00002 and 0.00006; TOPMed 0.00002; gnomAD 0.00003.
gnomAD v4.1: 93 of 1,613,734 alleles (0.0058%); highest among the groups gnomAD compares: Non-Finnish European, 0.0078%; no homozygotes.

Submissions (7):

Labcorp Genetics (formerly Invitae), Labcorp
Classification: Uncertain significance for Familial thoracic aortic aneurysm and aortic dissection. Last evaluated: 2026-01-16. Review status: criteria provided, single submitter. Criteria: Invitae Variant Classification Sherloc (09022015). Collection method: clinical testing. Allele origin: germline.
Comment: This sequence change replaces glutamic acid, which is acidic and polar, with valine, which is neutral and non-polar, at codon 151 of the TGFBR2 protein (p.Glu151Val). This variant is present in population databases (rs757051948, gnomAD 0.004%). This variant has not been reported in the literature in individuals affected with TGFBR2-related conditions. ClinVar contains an entry for this variant (Variation ID: 811924). Invitae Evidence Modeling of protein sequence and biophysical properties (such as structural, functional, and spatial information, amino acid conservation, physicochemical variation, residue mobility, and thermodynamic stability) indicates that this missense variant is not expected to disrupt TGFBR2 protein function with a negative predictive value of 95%. In summary, the available evidence is currently insufficient to determine the role of this variant in disease. Therefore, it has been classified as a Variant of Uncertain Significance.

Ambry Genetics
Classification: Uncertain significance for Familial thoracic aortic aneurysm and aortic dissection. Last evaluated: 2025-05-28. Review status: criteria provided, single submitter. Criteria: Ambry Variant Classification Scheme 2023. Collection method: clinical testing. Allele origin: germline.

All of Us Research Program, National Institutes of Health
Classification: Uncertain significance for Loeys-Dietz syndrome 2. Last evaluated: 2024-02-08. Review status: criteria provided, single submitter. Criteria: ACMG Guidelines, 2015. Collection method: clinical testing. Allele origin: germline. Inheritance: Autosomal dominant inheritance. Observed: 4 variant alleles, 4 heterozygotes.
Comment: This missense variant replaces glutamic acid with valine at codon 176 of the TGFBR2 protein. Computational prediction is inconclusive regarding the impact of this variant on protein structure and function (internally defined REVEL score threshold 0.5 < inconclusive < 0.7, PMID: 27666373). Splice site prediction tools suggest that this variant may not impact RNA splicing. To our knowledge, functional studies have not been performed for this variant. This variant has not been reported in individuals affected with cardiovascular disorders in the literature. This variant has been identified in 4/250440 chromosomes in the general population by the Genome Aggregation Database (gnomAD). The available evidence is insufficient to determine the role of this variant in disease conclusively. Therefore, this variant is classified as a Variant of Uncertain Significance.

This study involves interpretation of variants in research participants for the purpose of population health screening. Participant phenotype was not available at the time of variant classification. Additional details can be found in publication PMID: 35346344, PMCID: PMC8962531

GeneDx
Classification: Uncertain significance. Last evaluated: 2023-12-04. Review status: criteria provided, single submitter. Criteria: GeneDx Variant Classification Process June 2021. Collection method: clinical testing. Allele origin: germline. Affected: yes.
Comment: Not observed at significant frequency in large population cohorts (gnomAD); In silico analysis supports that this missense variant does not alter protein structure/function; Has not been previously published as pathogenic or benign to our knowledge

Color Diagnostics, LLC DBA Color Health
Classification: Uncertain significance for Familial thoracic aortic aneurysm and aortic dissection. Last evaluated: 2023-09-20. Review status: criteria provided, single submitter. Criteria: ACMG Guidelines, 2015. Collection method: clinical testing. Allele origin: germline.
Comment: This missense variant replaces glutamic acid with valine at codon 176 of the TGFBR2 protein. Computational prediction is inconclusive regarding the impact of this variant on protein structure and function (internally defined REVEL score threshold 0.5 < inconclusive < 0.7, PMID: 27666373). To our knowledge, functional studies have not been reported for this variant. This variant has not been reported in individuals affected with TGFBR2-related disorders in the literature. This variant has been identified in 4/250440 chromosomes in the general population by the Genome Aggregation Database (gnomAD). The available evidence is insufficient to determine the role of this variant in disease conclusively. Therefore, this variant is classified as a Variant of Uncertain Significance.

ARUP Laboratories, Molecular Genetics and Genomics, ARUP Laboratories
Classification: Uncertain significance. Last evaluated: 2022-12-30. Review status: criteria provided, single submitter. Criteria: ARUP Molecular Germline Variant Investigation Process 2024. Collection method: clinical testing. Allele origin: germline.
Comment: The TGFBR2 c.452A>T; p.Glu151Val variant (rs757051948), to our knowledge, is not reported in the medical literature but is reported in ClinVar (Variation ID: 811924). This variant is only observed on four alleles in the Genome Aggregation Database, indicating it is not a common polymorphism. The glutamate at codon 151 is moderately conserved and computational analyses are uncertain whether this variant is neutral or deleterious (REVEL: 0.516). Due to limited information, the clinical significance of this variant is uncertain at this time.

Genome Diagnostics Laboratory, The Hospital for Sick Children
Classification: Uncertain significance for Ehlers-Danlos syndrome. Last evaluated: 2021-12-14. Review status: criteria provided, single submitter. Criteria: ACMG Guidelines, 2015. Collection method: clinical testing. Allele origin: germline.